The following is an entry in ClinVar:

ClinVar aggregate classification (germline): Uncertain significance (1 of 4 stars; one submission).

Conditions:
Neuropathy, hereditary sensory and autonomic, type 2A (HSAN2A). Also called: HSAN IIA; WNK1-Related HSAN2 (HSAN2A); ACROOSTEOLYSIS, GIACCAI TYPE; ACROOSTEOLYSIS, NEUROGENIC; MORVAN DISEASE; NEUROPATHY, CONGENITAL SENSORY. Identifiers: Orphanet 970, MedGen C2752089, MONDO:0024309, OMIM 201300.
Pseudohypoaldosteronism type 2C (PHA2C). Also called: Pseudohypoaldosteronism Type IIC. Identifiers: Orphanet 757, Orphanet 88940, MedGen C1840391, MONDO:0013778, OMIM 614492.

gnomAD v4.1: 4 of 1,614,082 alleles (0.00025%); highest among the groups gnomAD compares: Non-Finnish European, 0.00025%; no homozygotes.

Submission:

Labcorp Genetics (formerly Invitae), Labcorp
Classification: Uncertain significance for Neuropathy, hereditary sensory and autonomic, type 2A; Pseudohypoaldosteronism type 2C. Last evaluated: 2024-03-12. Review status: criteria provided, single submitter. Criteria: Invitae Variant Classification Sherloc (09022015). Collection method: clinical testing. Allele origin: germline.
Comment: This sequence change replaces glutamine, which is neutral and polar, with arginine, which is basic and polar, at codon 1254 of the WNK1 protein (p.Gln1254Arg). This variant is present in population databases (rs776731718, gnomAD 0.002%). This variant has not been reported in the literature in individuals affected with WNK1-related conditions. Advanced modeling of protein sequence and biophysical properties (such as structural, functional, and spatial information, amino acid conservation, physicochemical variation, residue mobility, and thermodynamic stability) performed at Invitae indicates that this missense variant is not expected to disrupt WNK1 protein function with a negative predictive value of 95%. In summary, the available evidence is currently insufficient to determine the role of this variant in disease. Therefore, it has been classified as a Variant of Uncertain Significance.

NM_018979.4(WNK1):c.2267A>G (p.Gln756Arg)

Gene: WNK1 (WNK lysine deficient protein kinase 1; plus strand). Cytogenetic location: 12p13.33.
Variant type: single nucleotide variant.
Coding change: c.2267A>G on transcript NM_018979.4 (MANE Select); coding-DNA position 2267, A replaced by G.
Protein change: p.Gln756Arg; replaces glutamine 756 with arginine.
Molecular consequence: missense variant.
Genome position (GRCh38, 1-based): chr12:878,255, A>G. VCF-style: chr12-878255-A-G. GRCh37 (hg19) VCF-style: chr12-987421-A-G.
Other names: c.3506A>G, p.Gln1169Arg (NM_001184985.2); c.2264A>G, p.Gln755Arg (NM_014823.3); c.3761A>G, p.Gln1254Arg (NM_213655.5); short protein forms Q1169R, Q1254R, Q755R, Q756R.
Identifiers: ClinVar variation 3763187 (VCV003763187.2).